The following is an entry in ClinVar:

ClinVar aggregate classification (germline): Conflicting classifications of pathogenicity. Review status: criteria provided, conflicting classifications (1 of 4 stars). 3 submissions from 3 submitters: Pathogenic (1); Uncertain significance (2). Last evaluated 2025-11-16.

Submissions (3):

Dasa
Classification: Uncertain significance. Last evaluated: 2025-11-16. Review status: criteria provided, single submitter. Criteria: DASA Assertion Criteria. Collection method: clinical testing. Allele origin: germline.
Comment: NM_000260.4(MYO7A):c.4031T>C (p.Leu1344Pro) is a missense variant that results in the substitution of leucine with proline. The affected residue or protein region has prior evidence supporting clinical relevance. This variant is absent from population databases. Computational prediction algorithms are consistent with a deleterious effect. The currently available literature and clinical evidence are not sufficient to establish a definitive association between this variant and the reported condition. Therefore, this variant is classified as a variant of uncertain significance.

GeneDx
Classification: Uncertain significance. Last evaluated: 2023-10-05. Review status: criteria provided, single submitter. Criteria: GeneDx Variant Classification Process June 2021. Collection method: clinical testing. Allele origin: germline. Affected: yes.
Comment: Not observed at significant frequency in large population cohorts (gnomAD); In silico analysis supports that this missense variant has a deleterious effect on protein structure/function; Has not been previously published as pathogenic or benign to our knowledge

Labcorp Genetics (formerly Invitae), Labcorp
Classification: Pathogenic. Last evaluated: 2022-08-10. Review status: criteria provided, single submitter. Criteria: Invitae Variant Classification Sherloc (09022015). Collection method: clinical testing. Allele origin: germline.
Comment: For these reasons, this variant has been classified as Pathogenic. Advanced modeling of protein sequence and biophysical properties (such as structural, functional, and spatial information, amino acid conservation, physicochemical variation, residue mobility, and thermodynamic stability) performed at Invitae indicates that this missense variant is expected to disrupt MYO7A protein function. ClinVar contains an entry for this variant (Variation ID: 1494627). This missense change has been observed in individuals with clinical features of Usher syndrome (Invitae). This variant is not present in population databases (gnomAD no frequency). This sequence change replaces leucine, which is neutral and non-polar, with proline, which is neutral and non-polar, at codon 1344 of the MYO7A protein (p.Leu1344Pro).

NM_000260.4(MYO7A):c.4031T>C (p.Leu1344Pro)

Gene: MYO7A (myosin VIIA; plus strand). Cytogenetic location: 11q13.5.
Variant type: single nucleotide variant.
Coding change: c.4031T>C on transcript NM_000260.4 (MANE Select); coding-DNA position 4031, T replaced by C.
Protein change: p.Leu1344Pro; replaces leucine 1344 with proline.
Molecular consequence: missense variant.
Genome position (GRCh38, 1-based): chr11:77,192,157, T>C. VCF-style: chr11-77192157-T-C. GRCh37 (hg19) VCF-style: chr11-76903202-T-C.
Other names: c.4031T>C (NM_000260.3); c.4031T>C, p.Leu1344Pro (NM_001127180.2); c.3998T>C, p.Leu1333Pro (NM_001369365.1); short protein forms L1333P, L1344P.
Identifiers: ClinVar variation 1494627 (VCV001494627.9), dbSNP rs2135576239, ClinGen allele CA381948796.
Genomic context (GRCh38, chr11:77,192,157, plus strand): 5'-CCCAGTGCGAGCAGTACGCCAAGGAGCAGGGCGCCCAGGAGCGCAACGCCCCCTGGAGGC[T>C]CTTCTTCCGCAAAGAGGTCTTCACGCCCTGGCACAGCCCCTCCGAGGACAACGTGGCCAC-3'
Protein context (NP_000251.3, residues 1334-1354): GAQERNAPWR[Leu1344Pro]FFRKEVFTPW